The following is an entry in ClinVar:

NM_206933.4(USH2A):c.13082del (p.Pro4361fs)

Gene: USH2A (usherin; minus strand). Cytogenetic location: 1q41.
Variant type: Deletion.
Coding change: c.13082del on transcript NM_206933.4 (MANE Select); coding-DNA position 13082, one base deleted (C; older notation c.13082delC).
Protein change: p.Pro4361fs; shifts the reading frame from proline 4361.
Molecular consequence: frameshift variant.
Genome position (GRCh38, 1-based): chr1:215,674,829, G deleted on the plus strand (C on the coding strand, the reverse complement: USH2A is on the minus strand); the first of 3 consecutive G bases (chr1:215,674,829-215,674,831); deleting any one gives the same sequence. VCF-style (leftmost placement, unchanged base first): chr1-215674828-AG-A. GRCh37 (hg19) VCF-style: chr1-215848170-AG-A.
Other names: short protein forms P4361fs.
Identifiers: ClinVar variation 5004828 (VCV005004828.1).
Genomic context (GRCh38, chr1:215,674,828, plus strand): 5'-CACTGTGGGCGGTGACCAACATACATTCATTTGAGTGGCACTGACGGCCCAAAGATCTGG[AG>A]GGCTGACTTCTGATGGAGCAGCCTCCAGAGTTGTGATGCTGGTGGGTTTGCTGGTGGAGC-3'

ClinVar aggregate classification (germline): Pathogenic (1 of 4 stars; one submission).

Conditions:
USH2A-related disorder. Also called: USH2A-related condition; USH2A-related disorders. Identifiers: MedGen CN239332.

Submission:

Myriad Genetics, Inc.
Classification: Pathogenic for USH2A-related disorder. Last evaluated: 2026-08-03. Review status: criteria provided, single submitter. Criteria: Myriad Autosomal Dominant, Autosomal Recessive and X-Linked Classification Criteria (2023). Collection method: clinical testing. Allele origin: unknown.
Comment: NM_206933.2(USH2A):c.13082delC(P4361Lfs*12) is a frameshift variant classified as pathogenic in the context of USH2A-related disorders. P4361Lfs*12 has not been observed in cases with relevant disease. Relevant functional assessments of this variant are not available in the literature. P4361Lfs*12 has not been observed in referenced population frequency databases. In summary, NM_206933.2(USH2A):c.13082delC(P4361Lfs*12) is a frameshift variant in a gene where loss of function is a known mechanism of disease and is predicted to disrupt protein function. Please note: this variant was assessed in the context of healthy population screening.